The following is an entry in ClinVar:

NM_001035.3(RYR2):c.2760G>A (p.Glu920=)

Gene: RYR2 (ryanodine receptor 2; plus strand). Cytogenetic location: 1q43.
Variant type: single nucleotide variant.
Coding change: c.2760G>A on transcript NM_001035.3 (MANE Select); coding-DNA position 2760, G replaced by A.
Protein change: p.Glu920=; no amino-acid change (glutamic acid 920 retained).
Molecular consequence: synonymous variant.
Genome position (GRCh38, 1-based): chr1:237,511,729, G>A. VCF-style: chr1-237511729-G-A. GRCh37 (hg19) VCF-style: chr1-237675029-G-A.
Other names: p.Glu920=.
Identifiers: ClinVar variation 43762 (VCV000043762.75), dbSNP rs186181155, ClinGen allele CA008950.

ClinVar aggregate classification (germline): Conflicting classifications of pathogenicity. Review status: criteria provided, conflicting classifications (1 of 4 stars). 21 submissions from 20 submitters: Uncertain significance (1); Benign (9); Likely benign (6). 5 of the submissions do not count toward it. Last evaluated 2026-09-01.

Conditions:
Cardiovascular phenotype. Identifiers: MedGen CN230736.
Cardiomyopathy (CMYO). Also called: Cardiomyopathies. Identifiers: Orphanet 167848, MedGen C0878544, MONDO:0004994, HP:0001638. Inheritance: Various modes of inheritance.
Catecholaminergic polymorphic ventricular tachycardia 1. Also called: RYR2-Related Catecholaminergic Polymorphic Ventricular Tachycardia; VENTRICULAR TACHYCARDIA, STRESS-INDUCED POLYMORPHIC 1; VENTRICULAR TACHYCARDIA, CATECHOLAMINERGIC POLYMORPHIC, 1, WITH OR WITHOUT ATRIAL DYSFUNCTION AND/OR DILATED CARDIOMYOPATHY. Identifiers: Orphanet 3286, MedGen C1631597, MONDO:0011484, OMIM 604772.
Arrhythmogenic right ventricular dysplasia 2. Identifiers: MedGen C1832931.
Catecholaminergic polymorphic ventricular tachycardia (CVPT). Also called: Catecholamine-induced polymorphic ventricular tachycardia. Identifiers: Orphanet 3286, MedGen C5574922, MONDO:0017990.

Allele frequency attached by ClinVar (database versions not stated): TOPMed 0.00188; gnomAD 0.00200 and 0.00205; gnomAD exomes 0.00257 and 0.00155; ESP Exome Variant Server 0.00158; ExAC 0.00292; 1000 Genomes Project 30x 0.00016; 1000 Genomes Project 0.00020.
gnomAD v4.1: 3,910 of 1,570,506 alleles (0.25%); highest among the groups gnomAD compares: Non-Finnish European, 0.31%; 6 homozygotes.

Submissions (21):

CeGaT Center for Human Genetics Tuebingen
Classification: Likely benign. Last evaluated: 2026-09-01. Review status: criteria provided, single submitter. Criteria: CeGaT Center For Human Genetics Tuebingen Variant Classification Criteria Version 2. Collection method: clinical testing. Allele origin: germline. Affected: yes. Observed: 12 variant alleles.
Comment: RYR2: BP4, BP7, BS1

Labcorp Genetics (formerly Invitae), Labcorp
Classification: Benign for Catecholaminergic polymorphic ventricular tachycardia 1. Last evaluated: 2026-02-03. Review status: criteria provided, single submitter. Criteria: Invitae Variant Classification Sherloc (09022015). Collection method: clinical testing. Allele origin: germline.

Mayo Clinic Laboratories, Mayo Clinic
Classification: Likely benign. Last evaluated: 2025-05-12. Review status: criteria provided, single submitter. Criteria: ACMG Guidelines, 2015. Collection method: clinical testing. Allele origin: germline. Observed: 4 variant alleles.
Comment: BS1, BP4, BP7

Molecular Diagnostic Laboratory for Inherited Cardiovascular Disease, Montreal Heart Institute
Classification: Benign. Last evaluated: 2025-04-09. Review status: criteria provided, single submitter. Criteria: ACMG Guidelines, 2015. Collection method: clinical testing. Allele origin: germline. Affected: no.

Blueprint Genetics
Classification: Likely benign. Last evaluated: 2024-11-15. Review status: criteria provided, single submitter. Criteria: ACMG Guidelines, 2015. Collection method: clinical testing. Allele origin: germline.

ARUP Laboratories, Molecular Genetics and Genomics, ARUP Laboratories
Classification: Benign. Last evaluated: 2024-07-05. Review status: criteria provided, single submitter. Criteria: ARUP Molecular Germline Variant Investigation Process 2024. Collection method: clinical testing. Allele origin: germline.

All of Us Research Program, National Institutes of Health
Classification: Benign for Catecholaminergic polymorphic ventricular tachycardia. Last evaluated: 2024-02-05. Review status: criteria provided, single submitter. Criteria: ACMG Guidelines, 2015. Collection method: clinical testing. Allele origin: germline. Inheritance: Autosomal dominant inheritance. Observed: 564 variant alleles, 563 heterozygotes, 1 homozygote.
Comment: This study involves interpretation of variants in research participants for the purpose of population health screening. Participant phenotype was not available at the time of variant classification. Additional details can be found in publication PMID: 35346344, PMCID: PMC8962531

Women's Health and Genetics/Laboratory Corporation of America, LabCorp
Classification: Benign. Last evaluated: 2021-07-26. Review status: criteria provided, single submitter. Criteria: LabCorp Variant Classification Summary - May 2015. Collection method: clinical testing. Allele origin: germline.

Color Diagnostics, LLC DBA Color Health
Classification: Benign for Cardiomyopathy. Last evaluated: 2018-03-08. Review status: criteria provided, single submitter. Criteria: ACMG Guidelines, 2015. Collection method: clinical testing. Allele origin: germline.

Illumina Laboratory Services, Illumina
Classification: Benign for Catecholaminergic polymorphic ventricular tachycardia 1. Last evaluated: 2018-01-12. Review status: criteria provided, single submitter. Criteria: ICSL Variant Classification Criteria 13 December 2019. Collection method: clinical testing. Allele origin: germline.
Comment: This variant was observed in the ICSL laboratory as part of a predisposition screen in an ostensibly healthy population. It had not been previously curated by ICSL or reported in the Human Gene Mutation Database (HGMD: prior to June 1st, 2018), and was therefore a candidate for classification through an automated scoring system. Utilizing variant allele frequency, disease prevalence and penetrance estimates, and inheritance mode, an automated score was calculated to assess if this variant is too frequent to cause the disease. Based on the score and internal cut-off values, a variant classified as benign is not then subjected to further curation. The score for this variant resulted in a classification of benign for this disease.

Illumina Laboratory Services, Illumina
Classification: Likely benign for Catecholaminergic polymorphic ventricular tachycardia 1. Last evaluated: 2018-01-12. Review status: criteria provided, single submitter. Criteria: ICSL Variant Classification Criteria 13 December 2019. Collection method: clinical testing. Allele origin: germline.
Comment: This variant was observed in the ICSL laboratory as part of a predisposition screen in an ostensibly healthy population. It had not been previously curated by ICSL or reported in the Human Gene Mutation Database (HGMD: prior to June 1st, 2018), and was therefore a candidate for classification through an automated scoring system. Utilizing variant allele frequency, disease prevalence and penetrance estimates, and inheritance mode, an automated score was calculated to assess if this variant is too frequent to cause the disease. Based on the score and internal cut-off values, a variant classified as likely benign is not then subjected to further curation. The score for this variant resulted in a classification of likely benign for this disease.

CHEO Genetics Diagnostic Laboratory, Children's Hospital of Eastern Ontario
Classification: Benign for Cardiomyopathy. Last evaluated: 2017-09-19. Review status: criteria provided, single submitter. Criteria: ACMG Guidelines, 2015. Collection method: clinical testing. Allele origin: germline. Study: Canadian Open Genetics Repository.

Laboratory for Molecular Medicine, Mass General Brigham Personalized Medicine
Classification: Likely benign. Last evaluated: 2017-05-05. Review status: criteria provided, single submitter. Criteria: LMM Criteria. Collection method: clinical testing. Allele origin: germline. Observed: 8 variant alleles.
Comment: p.Glu920Glu in exon 24 of RYR2: This variant is not expected to have clinical si gnificance because it does not alter an amino acid residue and is not located wi thin the splice consensus sequence. It has been identified in 0.3% (299/99440) o f European chromosomes, including 2 homozygotes, by the Genome Aggregation Datab ase (gnomAD; dbSNP rs186181155).

Ambry Genetics
Classification: Likely benign for Cardiovascular phenotype. Last evaluated: 2015-09-18. Review status: criteria provided, single submitter. Criteria: Ambry Variant Classification Scheme 2023. Collection method: clinical testing. Allele origin: germline.

GeneDx
Classification: Benign. Last evaluated: 2015-03-03. Review status: criteria provided, single submitter. Criteria: GeneDx Variant Classification Process June 2021. Collection method: clinical testing. Allele origin: germline. Affected: yes.

Eurofins Ntd Llc (ga)
Classification: Uncertain significance. Last evaluated: 2015-03-02. Review status: criteria provided, single submitter. Criteria: EGL Classification Definitions 2015. Collection method: clinical testing. Allele origin: germline. Observed: 2 variant alleles, 2 heterozygotes.

Clinical Genetics DNA and cytogenetics Diagnostics Lab, Erasmus MC, Erasmus Medical Center
Classification: Likely benign. Review status: no assertion criteria provided. Collection method: clinical testing. Allele origin: germline. Affected: yes. Study: VKGL Data-share Consensus. Not counted in ClinVar's aggregate classification.

Clinical Genetics, Academic Medical Center
Classification: Benign. Review status: no assertion criteria provided. Collection method: clinical testing. Allele origin: germline. Affected: yes. Study: VKGL Data-share Consensus. Not counted in ClinVar's aggregate classification.

Diagnostic Laboratory, Department of Genetics, University Medical Center Groningen
Classification: Likely benign. Review status: no assertion criteria provided. Collection method: clinical testing. Allele origin: germline. Affected: yes. Study: VKGL Data-share Consensus. Not counted in ClinVar's aggregate classification.

Genome Diagnostics Laboratory, University Medical Center Utrecht
Classification: Likely benign. Review status: no assertion criteria provided. Collection method: clinical testing. Allele origin: germline. Affected: yes. Study: VKGL Data-share Consensus. Not counted in ClinVar's aggregate classification.

Joint Genome Diagnostic Labs from Nijmegen and Maastricht, Radboudumc and MUMC+
Classification: Benign. Review status: no assertion criteria provided. Collection method: clinical testing. Allele origin: germline. Affected: yes. Study: VKGL Data-share Consensus. Not counted in ClinVar's aggregate classification.